The following is an entry in ClinVar:

NM_030665.4(RAI1):c.3137G>A (p.Arg1046Gln)

Gene: RAI1 (retinoic acid induced 1; plus strand). Cytogenetic location: 17p11.2.
Variant type: single nucleotide variant.
Coding change: c.3137G>A on transcript NM_030665.4 (MANE Select); coding-DNA position 3137, G replaced by A.
Protein change: p.Arg1046Gln; replaces arginine 1046 with glutamine.
Molecular consequence: missense variant.
Genome position (GRCh38, 1-based): chr17:17,796,085, G>A. VCF-style: chr17-17796085-G-A. GRCh37 (hg19) VCF-style: chr17-17699399-G-A.
Other names: c.3137G>A (NM_030665.3); short protein forms R1046Q.
Identifiers: ClinVar variation 1460944 (VCV001460944.8), dbSNP rs763656384, ClinGen allele CA8418673.

ClinVar aggregate classification (germline): Conflicting classifications of pathogenicity. Review status: criteria provided, conflicting classifications (1 of 4 stars). 3 submissions from 3 submitters: Uncertain significance (2); Likely benign (1). Last evaluated 2026-09-23.

Conditions:
Inborn genetic diseases. Identifiers: MedGen C0950123, MeSH D030342.
RAI1-related disorder. Also called: RAI1-related condition.

Allele frequency attached by ClinVar (database versions not stated): gnomAD exomes 0.00002; TOPMed 0.00005; ExAC 0.00006.
gnomAD v4.1: 20 of 1,579,902 alleles (0.0013%); highest among the groups gnomAD compares: African/African-American, 0.011%; no homozygotes.

Submissions (3):

PreventionGenetics, part of Exact Sciences
Classification: Uncertain significance for RAI1-related condition. Last evaluated: 2026-09-23. Review status: criteria provided, single submitter. Criteria: ACMG Guidelines, 2015. Collection method: clinical testing. Allele origin: germline.
Comment: The RAI1 c.3137G>A variant is predicted to result in the amino acid substitution p.Arg1046Gln. To our knowledge, this variant has not been reported in the literature. This variant is reported in 0.021% of alleles in individuals of African descent in gnomAD. Although we suspect this variant may be benign, at this time, the clinical significance of this variant is uncertain due to the absence of conclusive functional and genetic evidence.

Labcorp Genetics (formerly Invitae), Labcorp
Classification: Uncertain significance. Last evaluated: 2025-11-13. Review status: criteria provided, single submitter. Criteria: Invitae Variant Classification Sherloc (09022015). Collection method: clinical testing. Allele origin: germline.
Comment: This sequence change replaces arginine, which is basic and polar, with glutamine, which is neutral and polar, at codon 1046 of the RAI1 protein (p.Arg1046Gln). The frequency data for this variant in the population databases is considered unreliable, as metrics indicate poor data quality at this position in the gnomAD database. This variant has not been reported in the literature in individuals affected with RAI1-related conditions. ClinVar contains an entry for this variant (Variation ID: 1460944). Invitae Evidence Modeling of protein sequence and biophysical properties (such as structural, functional, and spatial information, amino acid conservation, physicochemical variation, residue mobility, and thermodynamic stability) indicates that this missense variant is expected to disrupt RAI1 protein function with a positive predictive value of 80%. In summary, the available evidence is currently insufficient to determine the role of this variant in disease. Therefore, it has been classified as a Variant of Uncertain Significance.

Ambry Genetics
Classification: Likely benign for Inborn genetic diseases. Last evaluated: 2024-02-12. Review status: criteria provided, single submitter. Criteria: Ambry Variant Classification Scheme 2023. Collection method: clinical testing. Allele origin: germline.